The following is an entry in ClinVar:

ClinVar aggregate classification (germline): Likely benign (1 of 4 stars; one submission).

Allele frequency attached by ClinVar (database versions not stated): gnomAD exomes below 0.00001.
gnomAD v4.1: 2 of 1,613,876 alleles (0.00012%); highest among the groups gnomAD compares: Non-Finnish European, 0.00017%; no homozygotes.

Submission:

CeGaT Center for Human Genetics Tuebingen
Classification: Likely benign. Last evaluated: 2026-02-01. Review status: criteria provided, single submitter. Criteria: CeGaT Center For Human Genetics Tuebingen Variant Classification Criteria Version 2. Collection method: clinical testing. Allele origin: germline. Affected: yes. Observed: 2 variant alleles.
Comment: TNRC6B: BP4, BP7

NM_001162501.2(TNRC6B):c.945C>T (p.Val315=)

Gene: TNRC6B (trinucleotide repeat containing adaptor 6B; plus strand). Cytogenetic location: 22q13.1.
Variant type: single nucleotide variant.
Coding change: c.945C>T on transcript NM_001162501.2 (MANE Select); coding-DNA position 945, C replaced by T.
Protein change: p.Val315=; no amino-acid change (valine 315 retained).
Molecular consequence: synonymous variant. On other transcripts: intron variant (1).
Genome position (GRCh38, 1-based): chr22:40,265,175, C>T. VCF-style: chr22-40265175-C-T. GRCh37 (hg19) VCF-style: chr22-40661179-C-T.
Other names: c.945C>T, p.Val315= (NM_015088.3); c.565+3002C>T (NM_001024843.2).
Identifiers: ClinVar variation 2653172 (VCV002653172.24), dbSNP rs1244969198, ClinGen allele CA514788436.